The following is an entry in ClinVar:

NM_006231.4(POLE):c.4853A>G (p.Asn1618Ser)

Gene: POLE (DNA polymerase epsilon, catalytic subunit; minus strand). Cytogenetic location: 12q24.33.
Variant type: single nucleotide variant.
Coding change: c.4853A>G on transcript NM_006231.4 (MANE Select); coding-DNA position 4853, A replaced by G.
Protein change: p.Asn1618Ser; replaces asparagine 1618 with serine.
Molecular consequence: missense variant.
Genome position (GRCh38, 1-based): chr12:132,642,605, T>C on the plus strand (A>G on the coding strand, the complement: POLE is on the minus strand). VCF-style: chr12-132642605-T-C. GRCh37 (hg19) VCF-style: chr12-133219191-T-C.
Other names: short protein forms N1618S.
Identifiers: ClinVar variation 943413 (VCV000943413.12), dbSNP rs775952114, ClinGen allele CA246303694.

ClinVar aggregate classification (germline): Conflicting classifications of pathogenicity. Review status: criteria provided, conflicting classifications (1 of 4 stars). 2 submissions from 2 submitters: Uncertain significance (1); Likely benign (1). Last evaluated 2024-04-22.

Conditions:
Hereditary cancer-predisposing syndrome. Also called: Neoplastic Syndromes, Hereditary; Hereditary Cancer Syndrome; Tumor predisposition; Hereditary neoplastic syndrome. Identifiers: Orphanet 140162, MedGen C0027672, MeSH D009386, MONDO:0015356.

Allele frequency attached by ClinVar (database versions not stated): gnomAD exomes below 0.00001.
gnomAD v4.1: 1 of 1,613,580 alleles (0.000062%); highest among the groups gnomAD compares: Non-Finnish European, 0.000085%; no homozygotes.

Submissions (2):

Labcorp Genetics (formerly Invitae), Labcorp
Classification: Uncertain significance. Last evaluated: 2024-04-22. Review status: criteria provided, single submitter. Criteria: Invitae Variant Classification Sherloc (09022015). Collection method: clinical testing. Allele origin: germline.
Comment: This sequence change replaces asparagine, which is neutral and polar, with serine, which is neutral and polar, at codon 1618 of the POLE protein (p.Asn1618Ser). This variant is not present in population databases (gnomAD no frequency). This variant has not been reported in the literature in individuals affected with POLE-related conditions. ClinVar contains an entry for this variant (Variation ID: 943413). Advanced modeling of protein sequence and biophysical properties (such as structural, functional, and spatial information, amino acid conservation, physicochemical variation, residue mobility, and thermodynamic stability) performed at Invitae indicates that this missense variant is not expected to disrupt POLE protein function with a negative predictive value of 80%. In summary, the available evidence is currently insufficient to determine the role of this variant in disease. Therefore, it has been classified as a Variant of Uncertain Significance.

Ambry Genetics
Classification: Likely benign for Hereditary cancer-predisposing syndrome. Last evaluated: 2022-10-11. Review status: criteria provided, single submitter. Criteria: Ambry Variant Classification Scheme 2023. Collection method: clinical testing. Allele origin: germline.